The following is an entry in ClinVar:

NM_005529.7(HSPG2):c.5488G>T (p.Val1830Phe)

Gene: HSPG2 (heparan sulfate proteoglycan 2; minus strand). Cytogenetic location: 1p36.12.
Variant type: single nucleotide variant.
Coding change: c.5488G>T on transcript NM_005529.7 (MANE Select); coding-DNA position 5488, G replaced by T.
Protein change: p.Val1830Phe; replaces valine 1830 with phenylalanine.
Molecular consequence: missense variant.
Genome position (GRCh38, 1-based): chr1:21,857,102, C>A on the plus strand (G>T on the coding strand, the complement: HSPG2 is on the minus strand). VCF-style: chr1-21857102-C-A. GRCh37 (hg19) VCF-style: chr1-22183595-C-A.
Other names: c.5491G>T, p.Val1831Phe (NM_001291860.2); short protein forms V1830F, V1831F.
Identifiers: ClinVar variation 1979099 (VCV001979099.4), dbSNP rs553310741, ClinGen allele CA338941882.

ClinVar aggregate classification (germline): Uncertain significance (1 of 4 stars; one submission).

Submission:

Labcorp Genetics (formerly Invitae), Labcorp
Classification: Uncertain significance. Last evaluated: 2023-02-16. Review status: criteria provided, single submitter. Criteria: Invitae Variant Classification Sherloc (09022015). Collection method: clinical testing. Allele origin: germline.
Comment: This variant has not been reported in the literature in individuals affected with HSPG2-related conditions. An algorithm developed to predict the effect of missense changes on protein structure and function (PolyPhen-2) suggests that this variant is likely to be disruptive. In summary, the available evidence is currently insufficient to determine the role of this variant in disease. Therefore, it has been classified as a Variant of Uncertain Significance. This variant is not present in population databases (gnomAD no frequency). This sequence change replaces valine, which is neutral and non-polar, with phenylalanine, which is neutral and non-polar, at codon 1830 of the HSPG2 protein (p.Val1830Phe).